The following is an entry in ClinVar:

ClinVar aggregate classification (germline): Uncertain significance (1 of 4 stars; one submission).

Submission:

Labcorp Genetics (formerly Invitae), Labcorp
Classification: Uncertain significance. Last evaluated: 2021-12-02. Review status: criteria provided, single submitter. Criteria: Invitae Variant Classification Sherloc (09022015). Collection method: clinical testing. Allele origin: germline.
Comment: This sequence change replaces leucine, which is neutral and non-polar, with phenylalanine, which is neutral and non-polar, at codon 297 of the TYR protein (p.Leu297Phe). This variant is not present in population databases (gnomAD no frequency). This variant has not been reported in the literature in individuals affected with TYR-related conditions. Algorithms developed to predict the effect of missense changes on protein structure and function are either unavailable or do not agree on the potential impact of this missense change (SIFT: "Deleterious"; PolyPhen-2: "Probably Damaging"; Align-GVGD: "Class C0"). In summary, the available evidence is currently insufficient to determine the role of this variant in disease. Therefore, it has been classified as a Variant of Uncertain Significance.

NM_000372.5(TYR):c.891A>T (p.Leu297Phe)

Gene: TYR (tyrosinase; plus strand). Cytogenetic location: 11q14.3.
Variant type: single nucleotide variant.
Coding change: c.891A>T on transcript NM_000372.5 (MANE Select); coding-DNA position 891, A replaced by T.
Protein change: p.Leu297Phe; replaces leucine 297 with phenylalanine.
Molecular consequence: missense variant.
Genome position (GRCh38, 1-based): chr11:89,191,273, A>T. VCF-style: chr11-89191273-A-T. GRCh37 (hg19) VCF-style: chr11-88924441-A-T.
Other names: short protein forms L297F.
Identifiers: ClinVar variation 2026680 (VCV002026680.4), dbSNP rs61754373, ClinGen allele CA382035822.